The following is an entry in ClinVar:

ClinVar aggregate classification (germline): Benign (1 of 4 stars; one submission).

Allele frequency attached by ClinVar (database versions not stated): gnomAD 0.05012 and 0.05265; TOPMed 0.05610; 1000 Genomes Project 0.06410; 1000 Genomes Project 30x 0.06824.
gnomAD v4.1: 7,555 of 152,156 alleles (5%); highest among the groups gnomAD compares: African/African-American, 16%; 583 homozygotes.

Submission:

GeneDx
Classification: Benign. Last evaluated: 2018-06-18. Review status: criteria provided, single submitter. Criteria: GeneDx Variant Classification (06012015). Collection method: clinical testing. Allele origin: germline. Affected: yes.
Comment: This variant is considered likely benign or benign based on one or more of the following criteria: it is a conservative change, it occurs at a poorly conserved position in the protein, it is predicted to be benign by multiple in silico algorithms, and/or has population frequency not consistent with disease.

NM_000070.3(CAPN3):c.498+329G>A

Genes: CAPN3 (calpain 3; plus strand), LOC126862115 (BRD4-independent group 4 enhancer GRCh37_chr15:42677734-42678933; plus strand). Cytogenetic location: 15q15.1.
Variant type: single nucleotide variant.
Coding change: c.498+329G>A on transcript NM_000070.3 (MANE Select); 329 bases into the intron after coding-DNA position 498, G replaced by A.
Molecular consequence: intron variant.
Genome position (GRCh38, 1-based): chr15:42,386,614, G>A. VCF-style: chr15-42386614-G-A. GRCh37 (hg19) VCF-style: chr15-42678812-G-A.
Other names: c.498+329G>A (NM_024344.2, NM_173087.2).
Identifiers: ClinVar variation 671685 (VCV000671685.1), dbSNP rs16973206, ClinGen allele CA269833989.